The following is an entry in ClinVar:

ClinVar aggregate classification (germline): Uncertain significance (1 of 4 stars; one submission).

Submission:

Ambry Genetics
Classification: Uncertain significance. Last evaluated: 2021-03-12. Review status: criteria provided, single submitter. Criteria: Ambry Variant Classification Scheme 2023. Collection method: clinical testing. Allele origin: germline.
Comment: The p.G536A variant (also known as c.1607G>C), located in coding exon 1 of the MLH3 gene, results from a G to C substitution at nucleotide position 1607. The glycine at codon 536 is replaced by alanine, an amino acid with similar properties. This amino acid position is not well conserved in available vertebrate species. In addition, this alteration is predicted to be tolerated by in silico analysis. Since supporting evidence is limited at this time, the clinical significance of this alteration remains unclear.

NM_001040108.2(MLH3):c.1607G>C (p.Gly536Ala)

Gene: MLH3 (mutL homolog 3; minus strand). Cytogenetic location: 14q24.3.
Variant type: single nucleotide variant.
Coding change: c.1607G>C on transcript NM_001040108.2 (MANE Select); coding-DNA position 1607, G replaced by C.
Protein change: p.Gly536Ala; replaces glycine 536 with alanine.
Molecular consequence: missense variant.
Genome position (GRCh38, 1-based): chr14:75,048,049, C>G on the plus strand (G>C on the coding strand, the complement: MLH3 is on the minus strand). VCF-style: chr14-75048049-C-G. GRCh37 (hg19) VCF-style: chr14-75514752-C-G.
Other names: c.1607G>C, p.Gly536Ala (NM_014381.3); short protein forms G536A.
Identifiers: ClinVar variation 1776318 (VCV001776318.2), dbSNP rs1892384725, ClinGen allele CA390444874.